The following is an entry in ClinVar:

ClinVar aggregate classification (germline): Conflicting classifications of pathogenicity. Review status: criteria provided, conflicting classifications (1 of 4 stars). 2 submissions from 2 submitters: Likely pathogenic (1); Uncertain significance (1). Last evaluated 2023-03-31.

Conditions:
FOXF1-related disorders.

Submissions (2):

Labcorp Genetics (formerly Invitae), Labcorp
Classification: Uncertain significance. Last evaluated: 2023-03-31. Review status: criteria provided, single submitter. Criteria: Invitae Variant Classification Sherloc (09022015). Collection method: clinical testing. Allele origin: germline.
Comment: This sequence change replaces proline, which is neutral and non-polar, with leucine, which is neutral and non-polar, at codon 49 of the FOXF1 protein (p.Pro49Leu). This variant is not present in population databases (gnomAD no frequency). This variant has not been reported in the literature in individuals affected with FOXF1-related conditions. Advanced modeling of protein sequence and biophysical properties (such as structural, functional, and spatial information, amino acid conservation, physicochemical variation, residue mobility, and thermodynamic stability) has been performed at Invitae for this missense variant, however the output from this modeling did not meet the statistical confidence thresholds required to predict the impact of this variant on FOXF1 protein function. This variant disrupts the p.Pro49 amino acid residue in FOXF1. Other variant(s) that disrupt this residue have been observed in individuals with FOXF1-related conditions (PMID: 23505205), which suggests that this may be a clinically significant amino acid residue. In summary, the available evidence is currently insufficient to determine the role of this variant in disease. Therefore, it has been classified as a Variant of Uncertain Significance.

Blueprint Genetics
Classification: Likely pathogenic for FOXF1-related disorders. Last evaluated: 2019-12-03. Review status: criteria provided, single submitter. Criteria: ACMG Guidelines, 2015. Collection method: clinical testing. Allele origin: germline. Affected: yes. Observed: 1 variant allele.

Literature cited by the submitters: PubMed 23505205 (cited by Labcorp Genetics (formerly Invitae), Labcorp).

NM_001451.3(FOXF1):c.146C>T (p.Pro49Leu)

Gene: FOXF1 (forkhead box F1; plus strand). Cytogenetic location: 16q24.1.
Variant type: single nucleotide variant.
Coding change: c.146C>T on transcript NM_001451.3 (MANE Select); coding-DNA position 146, C replaced by T.
Protein change: p.Pro49Leu; replaces proline 49 with leucine.
Molecular consequence: missense variant.
Genome position (GRCh38, 1-based): chr16:86,510,715, C>T. VCF-style: chr16-86510715-C-T. GRCh37 (hg19) VCF-style: chr16-86544321-C-T.
Other names: short protein forms P49L.
Identifiers: ClinVar variation 2851190 (VCV002851190.4), dbSNP rs2507450303, ClinGen allele CA397005329.
Genomic context (GRCh38, chr16:86,510,715, plus strand): 5'-CGTCGTCCGGCCCGTCCAAGGCCAAGAAGACCAACGCCGGCATCCGGCGCCCGGAGAAGC[C>T]GCCCTATTCCTACATCGCGCTCATCGTCATGGCCATCCAGAGTTCACCCACCAAGCGCCT-3'
Protein context (NP_001442.2, residues 39-59): TNAGIRRPEK[Pro49Leu]PYSYIALIVM